The following is an entry in ClinVar:

ClinVar aggregate classification (germline): Uncertain significance (1 of 4 stars; one submission).

Allele frequency attached by ClinVar (database versions not stated): gnomAD exomes 0.00001; TOPMed 0.00001; ExAC 0.00001.

Submission:

GeneDx
Classification: Uncertain significance. Last evaluated: 2021-01-05. Review status: criteria provided, single submitter. Criteria: GeneDx Variant Classification Process June 2021. Collection method: clinical testing. Allele origin: germline. Affected: yes.
Comment: Not observed at a significant frequency in large population cohorts (Lek et al., 2016); Nonsense variant predicted to result in protein truncation, although loss-of-function variants have not been reported downstream of this position in the protein; Has not been previously published as pathogenic or benign to our knowledge

NM_032634.4(PIGO):c.3244C>T (p.Gln1082Ter)

Gene: PIGO (phosphatidylinositol glycan anchor biosynthesis class O; minus strand). Cytogenetic location: 9p13.3.
Variant type: single nucleotide variant.
Coding change: c.3244C>T on transcript NM_032634.4 (MANE Select); coding-DNA position 3244, C replaced by T.
Protein change: p.Gln1082Ter; replaces glutamine 1082 with a stop codon.
Molecular consequence: nonsense.
Genome position (GRCh38, 1-based): chr9:35,089,118, G>A on the plus strand (C>T on the coding strand, the complement: PIGO is on the minus strand). VCF-style: chr9-35089118-G-A. GRCh37 (hg19) VCF-style: chr9-35089115-G-A.
Other names: c.1993C>T, p.Gln665Ter (NM_001201484.2, NM_152850.4); short protein forms Q1082*, Q665*.
Identifiers: ClinVar variation 1210966 (VCV001210966.3), dbSNP rs776854356, ClinGen allele CA5040194.